The following is an entry in ClinVar:

NM_004385.5(VCAN):c.6943G>A (p.Val2315Ile)

Genes: VCAN (versican; plus strand), VCAN-AS1 (VCAN antisense RNA 1; minus strand). Cytogenetic location: 5q14.3.
Variant type: single nucleotide variant.
Coding change: c.6943G>A on transcript NM_004385.5 (MANE Select); coding-DNA position 6943, G replaced by A.
Protein change: p.Val2315Ile; replaces valine 2315 with isoleucine.
Molecular consequence: missense variant. On other transcripts: intron variant (2).
Genome position (GRCh38, 1-based): chr5:83,539,946, G>A. VCF-style: chr5-83539946-G-A. GRCh37 (hg19) VCF-style: chr5-82835765-G-A.
Other names: c.3982G>A, p.Val1328Ile (NM_001164097.2); c.4004-5591G>A (NM_001164098.2); c.1043-5591G>A (NM_001126336.3); short protein forms V2315I, V1328I.
Identifiers: ClinVar variation 853467 (VCV000853467.9), dbSNP rs3734094, ClinGen allele CA3333552.

ClinVar aggregate classification (germline): Uncertain significance. Review status: criteria provided, multiple submitters, no conflicts (2 of 4 stars). 2 submissions from 2 submitters: Uncertain significance (2). Last evaluated 2025-02-21.

Conditions:
VCAN-related disorder. Also called: VCAN-related condition.

Allele frequency attached by ClinVar (database versions not stated): TOPMed 0.00002.
gnomAD v4.1: 15 of 1,613,966 alleles (0.00093%); highest among the groups gnomAD compares: Middle Eastern, 0.016%; no homozygotes.

Submissions (2):

PreventionGenetics, part of Exact Sciences
Classification: Uncertain significance for VCAN-related condition. Last evaluated: 2025-02-21. Review status: criteria provided, single submitter. Criteria: ACMG Guidelines, 2015. Collection method: clinical testing. Allele origin: germline.
Comment: The VCAN c.6943G>A variant is predicted to result in the amino acid substitution p.Val2315Ile. To our knowledge, this variant has not been reported in the literature. This variant is reported in 0.011% of alleles in individuals of East Asian descent in gnomAD. At this time, the clinical significance of this variant is uncertain due to the absence of conclusive functional and genetic evidence.

Labcorp Genetics (formerly Invitae), Labcorp
Classification: Uncertain significance. Last evaluated: 2023-04-03. Review status: criteria provided, single submitter. Criteria: Invitae Variant Classification Sherloc (09022015). Collection method: clinical testing. Allele origin: germline.
Comment: Algorithms developed to predict the effect of missense changes on protein structure and function output the following: SIFT: "Not Available"; PolyPhen-2: "Benign"; Align-GVGD: "Not Available". The isoleucine amino acid residue is found in multiple mammalian species, which suggests that this missense change does not adversely affect protein function. This sequence change replaces valine, which is neutral and non-polar, with isoleucine, which is neutral and non-polar, at codon 2315 of the VCAN protein (p.Val2315Ile). This variant is present in population databases (rs3734094, gnomAD 0.01%). This variant has not been reported in the literature in individuals affected with VCAN-related conditions. ClinVar contains an entry for this variant (Variation ID: 853467). In summary, the available evidence is currently insufficient to determine the role of this variant in disease. Therefore, it has been classified as a Variant of Uncertain Significance.